The following is an entry in ClinVar:

ClinVar aggregate classification (germline): Uncertain significance. Review status: criteria provided, multiple submitters, no conflicts (2 of 4 stars). 2 submissions from 2 submitters: Uncertain significance (2). Last evaluated 2022-03-23.

Conditions:
Inborn genetic diseases. Identifiers: MedGen C0950123, MeSH D030342.
Emery-Dreifuss muscular dystrophy 4, autosomal dominant (EDMD4). Also called: EMERY-DREIFUSS MUSCULAR DYSTROPHY 4 WITH VARIABLE FEATURES. Identifiers: Orphanet 261, MedGen C2751807, MONDO:0013071, OMIM 612998.
Autosomal recessive ataxia, Beauce type. Also called: Spinocerebellar ataxia, autosomal recessive 8; ATAXIA, RECESSIVE, OF BEAUCE; SYNE1-Related Autosomal Recessive Cerebellar Ataxia; SYNE1 Deficiency. Identifiers: Orphanet 88644, MedGen C1853116, MONDO:0012549, OMIM 610743.

Allele frequency attached by ClinVar (database versions not stated): gnomAD exomes below 0.00001.
gnomAD v4.1: 1 of 1,614,160 alleles (0.000062%); highest among the groups gnomAD compares: East Asian, 0.0022%; no homozygotes.

Submissions (2):

Labcorp Genetics (formerly Invitae), Labcorp
Classification: Uncertain significance for Emery-Dreifuss muscular dystrophy 4, autosomal dominant; Autosomal recessive ataxia, Beauce type. Last evaluated: 2022-03-23. Review status: criteria provided, single submitter. Criteria: Invitae Variant Classification Sherloc (09022015). Collection method: clinical testing. Allele origin: germline.
Comment: In summary, the available evidence is currently insufficient to determine the role of this variant in disease. Therefore, it has been classified as a Variant of Uncertain Significance. This sequence change replaces glutamic acid, which is acidic and polar, with glycine, which is neutral and non-polar, at codon 7411 of the SYNE1 protein (p.Glu7411Gly). This variant is not present in population databases (gnomAD no frequency). This variant has not been reported in the literature in individuals affected with SYNE1-related conditions. ClinVar contains an entry for this variant (Variation ID: 649880). Algorithms developed to predict the effect of missense changes on protein structure and function (SIFT, PolyPhen-2, Align-GVGD) all suggest that this variant is likely to be disruptive.

Ambry Genetics
Classification: Uncertain significance for Inborn genetic diseases. Last evaluated: 2021-11-12. Review status: criteria provided, single submitter. Criteria: Ambry Variant Classification Scheme 2023. Collection method: clinical testing. Allele origin: germline.

NM_182961.4(SYNE1):c.22445A>G (p.Glu7482Gly)

Gene: SYNE1 (spectrin repeat containing nuclear envelope protein 1; minus strand). Cytogenetic location: 6q25.2.
Variant type: single nucleotide variant.
Coding change: c.22445A>G on transcript NM_182961.4 (MANE Select); coding-DNA position 22445, A replaced by G.
Protein change: p.Glu7482Gly; replaces glutamic acid 7482 with glycine.
Molecular consequence: missense variant.
Genome position (GRCh38, 1-based): chr6:152,213,661, T>C on the plus strand (A>G on the coding strand, the complement: SYNE1 is on the minus strand). VCF-style: chr6-152213661-T-C. GRCh37 (hg19) VCF-style: chr6-152534796-T-C.
Other names: c.22232A>G, p.Glu7411Gly (NM_033071.5); short protein forms E7411G, E7482G.
Identifiers: ClinVar variation 649880 (VCV000649880.11), dbSNP rs1587952687, ClinGen allele CA366099187.